The following is an entry in ClinVar:

NM_000523.4(HOXD13):c.709G>C (p.Gly237Arg)

Gene: HOXD13 (homeobox D13; plus strand). Cytogenetic location: 2q31.1.
Variant type: single nucleotide variant.
Coding change: c.709G>C on transcript NM_000523.4 (MANE Select); coding-DNA position 709, G replaced by C.
Protein change: p.Gly237Arg; replaces glycine 237 with arginine.
Molecular consequence: missense variant.
Genome position (GRCh38, 1-based): chr2:176,093,599, G>C. VCF-style: chr2-176093599-G-C. GRCh37 (hg19) VCF-style: chr2-176958327-G-C.
Other names: short protein forms G237R.
Identifiers: ClinVar variation 930707 (VCV000930707.3), dbSNP rs1689365853, ClinGen allele CA349353321.
Genomic context (GRCh38, chr2:176,093,599, plus strand): 5'-GAGCCTCGGCACGAGGCCTACATCTCCATGGAGGGGTACCAGTCCTGGACGCTGGCTAAC[G>C]GGTGGAACAGCCAGGTGTACTGCACCAAGGACCAGCCACAGGGGTCCCACTTTTGGAAAT-3'
Protein context (NP_000514.2, residues 227-247): EGYQSWTLAN[Gly237Arg]WNSQVYCTKD

ClinVar aggregate classification (germline): Uncertain significance (1 of 4 stars; one submission).

Conditions:
Synpolydactyly type 1. Identifiers: Orphanet 295195, MedGen C5574994, MONDO:0008513, OMIM 186000.

Submission:

Centre for Mendelian Genomics, University Medical Centre Ljubljana
Classification: Uncertain significance for Synpolydactyly type 1. Last evaluated: 2020-01-28. Review status: criteria provided, single submitter. Criteria: ACMG Guidelines, 2015. Collection method: clinical testing. Allele origin: unknown. Affected: yes.
Comment: This variant was classified as: Uncertain significance. The available evidence on this variant's pathogenicity is insufficient or conflicting. The following ACMG criteria were applied in classifying this variant: PM2,PP3.